The following is an entry in ClinVar:

NM_152564.5(VPS13B):c.4113G>T (p.Val1371=)

Gene: VPS13B (vacuolar protein sorting 13 homolog B; plus strand). Cytogenetic location: 8q22.2.
Variant type: single nucleotide variant.
Coding change: c.4113G>T on transcript NM_152564.5 (MANE Select); coding-DNA position 4113, G replaced by T.
Protein change: p.Val1371=; no amino-acid change (valine 1371 retained).
Molecular consequence: synonymous variant.
Genome position (GRCh38, 1-based): chr8:99,502,906, G>T. VCF-style: chr8-99502906-G-T. GRCh37 (hg19) VCF-style: chr8-100515134-G-T.
Other names: c.4113G>T (NM_017890.4, NM_152564.4); c.4113G>T, p.Val1371= (NM_017890.5).
Identifiers: ClinVar variation 1551965 (VCV001551965.10), dbSNP rs769085208, ClinGen allele CA462437745.
Genomic context (GRCh38, chr8:99,502,906, plus strand): 5'-GGTCAGTGAACTAGAAGATCTCAGTGCTTCCATAGATGTCCAGGATGTATATACCAAAGT[G>T]AAATGTAAAATAGAGAGTTTCAATATTGATCACTATAGAAGCAGGTAAATAATGAATAAT-3'
Protein context (NP_689777.3, residues 1361-1381): SIDVQDVYTK[Val1371=]KCKIESFNID

ClinVar aggregate classification (germline): Likely benign. Review status: criteria provided, single submitter (1 of 4 stars). 3 submissions from 3 submitters: Likely benign (1). 2 of the submissions do not count toward it. Last evaluated 2022-12-24.

Conditions:
Cohen syndrome (COH1). Also called: Cutis verticis gyrata, retinitis pigmentosa, and sensorineural deafness; PEPPER SYNDROME. Identifiers: Orphanet 193, MedGen C0265223, MONDO:0008999, OMIM 216550.
VPS13B-related disorder. Also called: VPS13B-related condition.

gnomAD v4.1: 3 of 1,613,060 alleles (0.00019%); highest among the groups gnomAD compares: African/African-American, 0.0027%; no homozygotes.

Submissions (3):

Labcorp Genetics (formerly Invitae), Labcorp
Classification: Likely benign for Cohen syndrome. Last evaluated: 2022-12-24. Review status: criteria provided, single submitter. Criteria: Invitae Variant Classification Sherloc (09022015). Collection method: clinical testing. Allele origin: germline.

Natera, Inc.
Classification: Uncertain significance for Cohen syndrome. Last evaluated: 2025-04-10. Review status: no assertion criteria provided. Collection method: clinical testing. Allele origin: germline. Not counted in ClinVar's aggregate classification.

PreventionGenetics, part of Exact Sciences
Classification: Likely benign for VPS13B-related condition. Last evaluated: 2022-07-12. Review status: no assertion criteria provided. Collection method: clinical testing. Allele origin: germline. Not counted in ClinVar's aggregate classification.
Comment: This variant is classified as likely benign based on ACMG/AMP sequence variant interpretation guidelines (Richards et al. 2015 PMID: 25741868, with internal and published modifications).